The following is an entry in ClinVar:

NM_001278116.2(L1CAM):c.2785C>T (p.Gln929Ter)

Gene: L1CAM (L1 cell adhesion molecule; minus strand). Cytogenetic location: Xq28.
Variant type: single nucleotide variant.
Coding change: c.2785C>T on transcript NM_001278116.2 (MANE Select); coding-DNA position 2785, C replaced by T.
Protein change: p.Gln929Ter; replaces glutamine 929 with a stop codon.
Molecular consequence: nonsense.
Genome position (GRCh38, 1-based): chrX:153,865,175, G>A on the plus strand (C>T on the coding strand, the complement: L1CAM is on the minus strand). VCF-style: chrX-153865175-G-A. GRCh37 (hg19) VCF-style: chrX-153130630-G-A.
Other names: c.2785C>T, p.Gln929Ter (NM_000425.5, NM_024003.3); c.2770C>T, p.Gln924Ter (NM_001143963.2); short protein forms Q929*, Q924*.
Identifiers: ClinVar variation 4795942 (VCV004795942.1).
Genomic context (GRCh38, chrX:153,865,175, plus strand): 5'-TGAGCACGCCGTTGTGGCTGAGTGGGGGCTGCCAGCGCAGCAGCAGGCTGGTGTTCGACT[G>A]GCACTCCAGGTGCAACGCCTCGGGGTGGCCAGGCACTGCAGGGCACAGAACCGAGTGGCA-3'

ClinVar aggregate classification (germline): Pathogenic (1 of 4 stars; one submission).

Conditions:
X-linked L1CAM-related disorders.

Submission:

Variantyx, Inc.
Classification: Pathogenic for X-linked L1CAM-related disorders. Last evaluated: 2025-10-22. Review status: criteria provided, single submitter. Criteria: Variantyx Assertion Criteria 2022. Collection method: clinical testing. Allele origin: maternal. Inheritance: X-linked recessive inheritance.
Comment: This is a nonsense variant in the L1CAM gene (OMIM: 308840). Pathogenic variants in this gene have been associated with X-linked L1CAM-related disorders. This variant introduces a premature termination codon in exon 22 out of 29 and is expected to result in loss of function, which is a known disease mechanism for L1CAM in this disorder (PMID: 19846429, 23820807) (PVS1). This variant has been reported in at least 2 unrelated affected individuals (PMID: 23820807, 39359128) (PS4_Moderate) and is absent from control populations (PM2). Based on the current evidence, this variant is classified as pathogenic for X-linked L1CAM-related disorders.

Literature cited by the submitters: PubMed 19846429; PubMed 23820807; PubMed 39359128.